The following is an entry in ClinVar:

NM_032608.7(MYO18B):c.3964G>T (p.Ala1322Ser)

Gene: MYO18B (myosin XVIIIB; plus strand). Cytogenetic location: 22q12.1.
Variant type: single nucleotide variant.
Coding change: c.3964G>T on transcript NM_032608.7 (MANE Select); coding-DNA position 3964, G replaced by T.
Protein change: p.Ala1322Ser; replaces alanine 1322 with serine.
Molecular consequence: missense variant.
Genome position (GRCh38, 1-based): chr22:25,874,298, G>T. VCF-style: chr22-25874298-G-T. GRCh37 (hg19) VCF-style: chr22-26270265-G-T.
Other names: c.3967G>T, p.Ala1323Ser (NM_001318245.2); short protein forms A1322S, A1323S.
Identifiers: ClinVar variation 1936196 (VCV001936196.5), dbSNP rs2517705396, ClinGen allele CA411006634.

ClinVar aggregate classification (germline): Uncertain significance (1 of 4 stars; one submission).

Submission:

Labcorp Genetics (formerly Invitae), Labcorp
Classification: Uncertain significance. Last evaluated: 2024-10-03. Review status: criteria provided, single submitter. Criteria: Invitae Variant Classification Sherloc (09022015). Collection method: clinical testing. Allele origin: germline.
Comment: This sequence change replaces alanine, which is neutral and non-polar, with serine, which is neutral and polar, at codon 1322 of the MYO18B protein (p.Ala1322Ser). This variant is not present in population databases (gnomAD no frequency). This variant has not been reported in the literature in individuals affected with MYO18B-related conditions. ClinVar contains an entry for this variant (Variation ID: 1936196). An algorithm developed to predict the effect of missense changes on protein structure and function outputs the following: PolyPhen-2: "Benign". The serine amino acid residue is found in multiple mammalian species, which suggests that this missense change does not adversely affect protein function. In summary, the available evidence is currently insufficient to determine the role of this variant in disease. Therefore, it has been classified as a Variant of Uncertain Significance.